The following is an entry in ClinVar:

ClinVar aggregate classification (germline): Uncertain significance (1 of 4 stars; one submission).

Conditions:
RASopathy. Also called: Noonan spectrum disorder; rasopathies. Identifiers: Orphanet 536391, MedGen C5555857, MONDO:0021060.

gnomAD v4.1: 1 of 1,614,186 alleles (0.000062%); highest among the groups gnomAD compares: Non-Finnish European, 0.000085%; no homozygotes.

Submission:

Labcorp Genetics (formerly Invitae), Labcorp
Classification: Uncertain significance for RASopathy. Last evaluated: 2025-11-09. Review status: criteria provided, single submitter. Criteria: Invitae Variant Classification Sherloc (09022015). Collection method: clinical testing. Allele origin: germline.
Comment: This sequence change replaces serine, which is neutral and polar, with arginine, which is basic and polar, at codon 26 of the RAF1 protein (p.Ser26Arg). This variant is not present in population databases (gnomAD no frequency). This variant has not been reported in the literature in individuals affected with RAF1-related conditions. Invitae Evidence Modeling of protein sequence and biophysical properties (such as structural, functional, and spatial information, amino acid conservation, physicochemical variation, residue mobility, and thermodynamic stability) indicates that this missense variant is not expected to disrupt RAF1 protein function with a negative predictive value of 95%. In summary, the available evidence is currently insufficient to determine the role of this variant in disease. Therefore, it has been classified as a Variant of Uncertain Significance.

NM_002880.4(RAF1):c.78C>A (p.Ser26Arg)

Gene: RAF1 (Raf-1 proto-oncogene, serine/threonine kinase; minus strand). Cytogenetic location: 3p25.2.
Variant type: single nucleotide variant.
Coding change: c.78C>A on transcript NM_002880.4 (MANE Select); coding-DNA position 78, C replaced by A.
Protein change: p.Ser26Arg; replaces serine 26 with arginine.
Molecular consequence: missense variant. On other transcripts: 5 prime UTR variant (4), non-coding transcript variant (3).
Genome position (GRCh38, 1-based): chr3:12,618,644, G>T on the plus strand (C>A on the coding strand, the complement: RAF1 is on the minus strand). VCF-style: chr3-12618644-G-T. GRCh37 (hg19) VCF-style: chr3-12660143-G-T.
Other names: c.78C>A, p.Ser26Arg (NM_001354689.3, NM_001354690.3, NM_001354693.3); c.-53C>A (NM_001354691.3, NM_001354692.3, NM_001354694.3 and 1 more transcripts); short protein forms S26R.
Identifiers: ClinVar variation 4777163 (VCV004777163.1).